The following is an entry in ClinVar:

ClinVar aggregate classification (germline): Pathogenic. Review status: criteria provided, multiple submitters, no conflicts (2 of 4 stars). 2 submissions from 2 submitters: Pathogenic (2). Last evaluated 2024-05-29.

Conditions:
Polycystic kidney disease 2 (PKD2). Also called: Polycystic Kidney Disease 2, Autosomal Dominant; POLYCYSTIC KIDNEY DISEASE, ADULT, TYPE II; POLYCYSTIC KIDNEY DISEASE 2 WITH OR WITHOUT POLYCYSTIC LIVER DISEASE. Identifiers: MedGen C2751306, MONDO:0013131, OMIM 613095.

Submissions (2):

Fulgent Genetics
Classification: Pathogenic for Polycystic kidney disease 2. Last evaluated: 2024-05-29. Review status: criteria provided, single submitter. Criteria: ACMG Guidelines, 2015. Collection method: clinical testing. Allele origin: germline.

3billion
Classification: Pathogenic for Polycystic kidney disease 2. Last evaluated: 2022-09-01. Review status: criteria provided, single submitter. Criteria: ACMG Guidelines, 2015. Collection method: clinical testing. Allele origin: germline. Affected: yes. Observed: 1 heterozygote.
Comment: The variant is not observed in the gnomAD v2.1.1 dataset. This stop-gained (nonsense) variant is predicted to result in a loss or disruption of normal protein function through nonsense-mediated decay (NMD) or protein truncation. Multiple pathogenic variants are reported downstream of the variant. The variant has been reported to be associated with PKD2-related disorder (PMID: 31740684). Therefore, this variant is classified as Pathogenic according to the recommendation of ACMG/AMP guideline.

Literature cited by the submitters: PubMed 31740684 (cited by 3billion).

NM_000297.4(PKD2):c.2102C>G (p.Ser701Ter)

Gene: PKD2 (polycystin 2, transient receptor potential cation channel; plus strand). Cytogenetic location: 4q22.1.
Variant type: single nucleotide variant.
Coding change: c.2102C>G on transcript NM_000297.4 (MANE Select); coding-DNA position 2102, C replaced by G.
Protein change: p.Ser701Ter; replaces serine 701 with a stop codon.
Molecular consequence: nonsense. On other transcripts: non-coding transcript variant (1).
Genome position (GRCh38, 1-based): chr4:88,061,988, C>G. VCF-style: chr4-88061988-C-G. GRCh37 (hg19) VCF-style: chr4-88983140-C-G.
Other names: short protein forms S701*.
Identifiers: ClinVar variation 1705606 (VCV001705606.2), dbSNP rs2475970407, ClinGen allele CA357623806.